The following is an entry in ClinVar:

NM_000286.3(PEX12):c.785_787del (p.Asp262_Trp263delinsGly)

Gene: PEX12 (peroxisomal biogenesis factor 12; minus strand). Cytogenetic location: 17q12.
Variant type: Deletion.
Coding change: c.785_787del on transcript NM_000286.3 (MANE Select); coding-DNA positions 785 to 787, 3 bases deleted (ACT; older notation c.785_787delACT).
Protein change: p.Asp262_Trp263delinsGly.
Molecular consequence: inframe indel.
Genome position (GRCh38, 1-based): chr17:35,576,075-35,576,077, AGT deleted on the plus strand (ACT on the coding strand, the reverse complement: PEX12 is on the minus strand). VCF-style (leftmost placement, unchanged base first): chr17-35576074-CAGT-C. GRCh37 (hg19) VCF-style: chr17-33903093-CAGT-C.
Identifiers: ClinVar variation 550582 (VCV000550582.4), dbSNP rs759584047, ClinGen allele CA8504841.
Genomic context (GRCh38, chr17:35,576,074, plus strand): 5'-GGTGGAGTAGGCAGGGCAGTCAATGACTTGATGGTTTCTTGATTTTCAGATGAGTACCAC[CAGT>C]CAAGGAACTGCAAGAAGAATACACCCACAGAAAGGCCAGTAGACAGGGATAAGGCAACAC-3'

ClinVar aggregate classification (germline): Uncertain significance. Review status: criteria provided, single submitter (1 of 4 stars). 2 submissions from 2 submitters: Uncertain significance (1). 1 of the submissions does not count toward it. Last evaluated 2022-07-06.

Conditions:
Peroxisome biogenesis disorder 3A (Zellweger). Also called: Peroxisome biogenesis disorder 3A; PEROXISOMAL BIOGENESIS DISORDER 3A (ZELLWEGER). Identifiers: Orphanet 912, MedGen C3553929, MONDO:0013927, OMIM 614859.
Peroxisome biogenesis disorder type 3B. Identifiers: Orphanet 44, Orphanet 772, MedGen C3550693, MONDO:0009959, OMIM 266510.

Allele frequency attached by ClinVar (database versions not stated): gnomAD 0.00001; gnomAD exomes 0.00001 and 0.00004; ExAC 0.00002; TOPMed 0.00002.

Submissions (2):

Labcorp Genetics (formerly Invitae), Labcorp
Classification: Uncertain significance for Peroxisome biogenesis disorder 3A (Zellweger). Last evaluated: 2022-07-06. Review status: criteria provided, single submitter. Criteria: Invitae Variant Classification Sherloc (09022015). Collection method: clinical testing. Allele origin: germline.
Comment: This variant, c.785_787del, is a complex sequence change that results in the deletion of 2 and insertion of 1 amino acid(s) in the PEX12 protein (p.Asp262_Trp263delinsGly). This variant is present in population databases (rs759584047, gnomAD 0.007%). This variant has not been reported in the literature in individuals affected with PEX12-related conditions. ClinVar contains an entry for this variant (Variation ID: 550582). Experimental studies and prediction algorithms are not available or were not evaluated, and the functional significance of this variant is currently unknown. In summary, the available evidence is currently insufficient to determine the role of this variant in disease. Therefore, it has been classified as a Variant of Uncertain Significance.

Counsyl
Classification: Uncertain significance for Peroxisome biogenesis disorder type 3B; Peroxisome biogenesis disorder 3A (Zellweger). Last evaluated: 2017-02-01. Review status: no assertion criteria provided. Collection method: clinical testing. Allele origin: unknown. Not counted in ClinVar's aggregate classification.